The following is an entry in ClinVar:

ClinVar aggregate classification (germline): Uncertain significance (1 of 4 stars; one submission).

Conditions:
Joubert syndrome 23 (JBTS23). Identifiers: Orphanet 475, MedGen C4084822, MONDO:0014664, OMIM 616490.
Short-rib thoracic dysplasia 14 with polydactyly (SRTD14). Identifiers: Orphanet 397715, MedGen C4225286, MONDO:0014688, OMIM 616546.

Allele frequency attached by ClinVar (database versions not stated): gnomAD exomes below 0.00001.
gnomAD v4.1: 2 of 1,611,146 alleles (0.00012%); highest among the groups gnomAD compares: Middle Eastern, 0.033%; no homozygotes.

Submission:

Labcorp Genetics (formerly Invitae), Labcorp
Classification: Uncertain significance for Joubert syndrome 23; Short-rib thoracic dysplasia 14 with polydactyly. Last evaluated: 2022-05-21. Review status: criteria provided, single submitter. Criteria: Invitae Variant Classification Sherloc (09022015). Collection method: clinical testing. Allele origin: germline.
Comment: In summary, the available evidence is currently insufficient to determine the role of this variant in disease. Therefore, it has been classified as a Variant of Uncertain Significance. Algorithms developed to predict the effect of missense changes on protein structure and function are either unavailable or do not agree on the potential impact of this missense change (SIFT: "Deleterious"; PolyPhen-2: "Possibly Damaging"; Align-GVGD: "Class C0"). This variant has not been reported in the literature in individuals affected with KIAA0586-related conditions. This variant is not present in population databases (gnomAD no frequency). This sequence change replaces threonine, which is neutral and polar, with asparagine, which is neutral and polar, at codon 865 of the KIAA0586 protein (p.Thr865Asn).

NM_001329943.3(KIAA0586):c.2435C>A (p.Thr812Asn)

Gene: KIAA0586 (KIAA0586; plus strand). Cytogenetic location: 14q23.1.
Variant type: single nucleotide variant.
Coding change: c.2435C>A on transcript NM_001329943.3 (MANE Select); coding-DNA position 2435, C replaced by A.
Protein change: p.Thr812Asn; replaces threonine 812 with asparagine.
Molecular consequence: missense variant.
Genome position (GRCh38, 1-based): chr14:58,467,915, C>A. VCF-style: chr14-58467915-C-A. GRCh37 (hg19) VCF-style: chr14-58934633-C-A.
Other names: c.2594C>A, p.Thr865Asn (NM_001244189.2); c.2390C>A, p.Thr797Asn (NM_001244190.2); c.2180C>A, p.Thr727Asn (NM_001244191.2, NM_001329945.2, NM_001364700.1 and 1 more transcripts); c.2303C>A, p.Thr768Asn (NM_001244192.2); c.2015C>A, p.Thr672Asn (NM_001244193.2); c.2435C>A, p.Thr812Asn (NM_001329944.2, NM_001329946.2, NM_001329947.2); c.2207C>A, p.Thr736Asn (NM_014749.5); short protein forms T768N, T797N, T672N, T736N, T727N, T812N, T865N.
Identifiers: ClinVar variation 1982766 (VCV001982766.3), dbSNP rs2543279185, ClinGen allele CA389875561.